The following is an entry in ClinVar:

ClinVar aggregate classification (germline): Uncertain significance. Review status: criteria provided, single submitter (1 of 4 stars). 2 submissions from 2 submitters: Uncertain significance (1). 1 of the submissions does not count toward it. Last evaluated 2022-09-08.

Conditions:
MMP21-related disorder. Also called: MMP21-related condition.
Heterotaxy, visceral, 7, autosomal (HTX7). Identifiers: Orphanet 450, MedGen C4225217, MONDO:0014762, OMIM 616749.

Allele frequency attached by ClinVar (database versions not stated): gnomAD 0.00001; gnomAD exomes 0.00001; TOPMed 0.00002.
gnomAD v4.1: 12 of 1,614,084 alleles (0.00074%); highest among the groups gnomAD compares: African/African-American, 0.0027%; no homozygotes.

Submissions (2):

PreventionGenetics, part of Exact Sciences
Classification: Uncertain significance for MMP21-related condition. Last evaluated: 2022-09-08. Review status: criteria provided, single submitter. Criteria: ACMG Guidelines, 2015. Collection method: clinical testing. Allele origin: germline.
Comment: The MMP21 c.1078C>T variant is predicted to result in the amino acid substitution p.Arg360Cys. This variant was reported in the homozygous state in two siblings with heterotaxy from a consanguineous family (Family 7, Guimier et al. 2015. PubMed ID: 26437028). This variant is reported in 0.0080% of alleles in individuals of African descent in gnomAD. Although we suspect that this variant may be pathogenic, at this time, the clinical significance of this variant is uncertain due to the absence of conclusive functional and genetic evidence.

OMIM
Classification: Pathogenic for HETEROTAXY, VISCERAL, 7, AUTOSOMAL. Last evaluated: 2024-05-06. Review status: no assertion criteria provided. Collection method: literature only. Allele origin: germline. Not counted in ClinVar's aggregate classification.

Literature cited by the submitters: PubMed 26437028 (cited by OMIM).

NM_147191.1(MMP21):c.1078C>T (p.Arg360Cys)

Gene: MMP21 (matrix metallopeptidase 21; minus strand). Cytogenetic location: 10q26.2.
Variant type: single nucleotide variant.
Coding change: c.1078C>T on transcript NM_147191.1 (MANE Select); coding-DNA position 1078, C replaced by T.
Protein change: p.Arg360Cys; replaces arginine 360 with cysteine.
Molecular consequence: missense variant.
Genome position (GRCh38, 1-based): chr10:125,770,493, G>A on the plus strand (C>T on the coding strand, the complement: MMP21 is on the minus strand). VCF-style: chr10-125770493-G-A. GRCh37 (hg19) VCF-style: chr10-127459062-G-A.
Other names: short protein forms R360C.
Identifiers: ClinVar variation 2634606 (VCV002634606.2), dbSNP rs946722250, ClinGen allele CA215316799.